The following is an entry in ClinVar:

ClinVar aggregate classification (germline): Uncertain significance (1 of 4 stars; one submission).

Submission:

Labcorp Genetics (formerly Invitae), Labcorp
Classification: Uncertain significance. Last evaluated: 2025-02-06. Review status: criteria provided, single submitter. Criteria: Invitae Variant Classification Sherloc (09022015). Collection method: clinical testing. Allele origin: germline.
Comment: This sequence change creates a premature translational stop signal (p.Glu468*) in the POC5 gene. It is expected to result in an absent or disrupted protein product. However, the current clinical and genetic evidence is not sufficient to establish whether loss-of-function variants in POC5 cause disease. This variant is not present in population databases (gnomAD no frequency). This variant has not been reported in the literature in individuals affected with POC5-related conditions. In summary, the available evidence is currently insufficient to determine the role of this variant in disease. Therefore, it has been classified as a Variant of Uncertain Significance.

NM_001099271.2(POC5):c.1402G>T (p.Glu468Ter)

Gene: POC5 (POC5 centriolar protein; minus strand). Cytogenetic location: 5q13.3.
Variant type: single nucleotide variant.
Coding change: c.1402G>T on transcript NM_001099271.2 (MANE Select); coding-DNA position 1402, G replaced by T.
Protein change: p.Glu468Ter; replaces glutamic acid 468 with a stop codon.
Molecular consequence: nonsense.
Genome position (GRCh38, 1-based): chr5:75,685,212, C>A on the plus strand (G>T on the coding strand, the complement: POC5 is on the minus strand). VCF-style: chr5-75685212-C-A. GRCh37 (hg19) VCF-style: chr5-74981037-C-A.
Other names: c.1327G>T, p.Glu443Ter (NM_152408.3); short protein forms E443*, E468*.
Identifiers: ClinVar variation 3728655 (VCV003728655.2).
Genomic context (GRCh38, chr5:75,685,212, plus strand): 5'-CCACTGGGCCTGGCCGCCCTTTTCATAAGGTGGGACCTGTATAAACTGTACTAACCATTT[C>A]TTCTGATGCAGCAGTAGCTGCAGATCCTGCACCAAGAGCAGAAACAGGAACGTGAACAGA-3'